The following is an entry in ClinVar:

NM_001031725.6(DDX59):c.937C>T (p.Pro313Ser)

Gene: DDX59 (DEAD-box helicase 59; minus strand). Cytogenetic location: 1q32.1.
Variant type: single nucleotide variant.
Coding change: c.937C>T on transcript NM_001031725.6 (MANE Select); coding-DNA position 937, C replaced by T.
Protein change: p.Pro313Ser; replaces proline 313 with serine.
Molecular consequence: missense variant.
Genome position (GRCh38, 1-based): chr1:200,663,954, G>A on the plus strand (C>T on the coding strand, the complement: DDX59 is on the minus strand). VCF-style: chr1-200663954-G-A. GRCh37 (hg19) VCF-style: chr1-200633082-G-A.
Other names: c.937C>T, p.Pro313Ser (NM_001320181.2, NM_001320182.1, NM_001349799.3 and 5 more transcripts); short protein forms P313S.
Identifiers: ClinVar variation 1914717 (VCV001914717.5), dbSNP rs755435026, ClinGen allele CA1318404.
Genomic context (GRCh38, chr1:200,663,954, plus strand): 5'-GACATTGTATCAAATCAGTGCTTACCTTAACATGTTGTTGCAGACGATAAAGCTGTGGGG[G>A]TAAGGGTAAGCCCCCTACAAGAAGCACAGTTTTCATGCGTGGCAGGCCACTCATCAATTC-3'
Protein context (NP_001026895.2, residues 303-323): TVLLVGGLPL[Pro313Ser]PQLYRLQQHV

ClinVar aggregate classification (germline): Uncertain significance (1 of 4 stars; one submission).

Allele frequency attached by ClinVar (database versions not stated): ExAC 0.00001; TOPMed 0.00005; gnomAD 0.00006.
gnomAD v4.1: 54 of 1,613,652 alleles (0.0033%); highest among the groups gnomAD compares: Non-Finnish European, 0.004%; no homozygotes.

Submission:

Labcorp Genetics (formerly Invitae), Labcorp
Classification: Uncertain significance. Last evaluated: 2022-06-29. Review status: criteria provided, single submitter. Criteria: Invitae Variant Classification Sherloc (09022015). Collection method: clinical testing. Allele origin: germline.
Comment: This variant is present in population databases (rs755435026, gnomAD 0.003%). This variant has not been reported in the literature in individuals affected with DDX59-related conditions. Algorithms developed to predict the effect of missense changes on protein structure and function are either unavailable or do not agree on the potential impact of this missense change (SIFT: "Not Available"; PolyPhen-2: "Probably Damaging"; Align-GVGD: "Not Available"). In summary, the available evidence is currently insufficient to determine the role of this variant in disease. Therefore, it has been classified as a Variant of Uncertain Significance. This sequence change replaces proline, which is neutral and non-polar, with serine, which is neutral and polar, at codon 313 of the DDX59 protein (p.Pro313Ser).